The following is an entry in ClinVar:

ClinVar aggregate classification (germline): Uncertain significance (1 of 4 stars; one submission).

Conditions:
Hereditary spastic paraplegia 62. Also called: Spastic paraplegia 62, autosomal recessive. Identifiers: Orphanet 401785, MedGen C4284588, MONDO:0014302, OMIM 615681.

Allele frequency attached by ClinVar (database versions not stated): TOPMed 0.00009; gnomAD 0.00011; ESP Exome Variant Server 0.00023; ExAC 0.00005; gnomAD exomes 0.00008.
gnomAD v4.1: 260 of 1,612,660 alleles (0.016%); highest among the groups gnomAD compares: Non-Finnish European, 0.021%; no homozygotes.

Submissions (3):

Labcorp Genetics (formerly Invitae), Labcorp
Classification: Uncertain significance for Hereditary spastic paraplegia 62. Last evaluated: 2018-07-15. Review status: criteria provided, single submitter. Criteria: Invitae Variant Classification Sherloc (09022015). Collection method: clinical testing. Allele origin: germline.
Comment: This sequence change falls in intron 5 of the ERLIN1 gene. It does not directly change the encoded amino acid sequence of the ERLIN1 protein, but it affects a nucleotide within the consensus splice site of the intron. This variant is present in population databases (rs377363754, ExAC 0.009%). This variant has not been reported in the literature in individuals with ERLIN1-related disease. Nucleotide substitutions within the consensus splice site are a relatively common cause of aberrant splicing (PMID: 17576681, 9536098). Algorithms developed to predict the effect of sequence changes on RNA splicing suggest that this variant may disrupt the consensus splice site, but this prediction has not been confirmed by published transcriptional studies. In summary, the available evidence is currently insufficient to determine the role of this variant in disease. Therefore, it has been classified as a Variant of Uncertain Significance.

Dr. Peter K. Rogan Lab, Western University
No classification provided (evidence only). Condition: Ovarian serous cystadenocarcinoma. Review status: no classification provided. Collection method: in vitro. Allele origin: not applicable. Functional consequence: retained intron. Not counted in ClinVar's aggregate classification.

Dr. Peter K. Rogan Lab, Western University
No classification provided (evidence only). Condition: Uveal melanoma. Review status: no classification provided. Collection method: in vitro. Allele origin: not applicable. Functional consequence: skipped exon. Not counted in ClinVar's aggregate classification.

Literature cited by the submitters: PubMed 17576681 (cited by Labcorp Genetics (formerly Invitae), Labcorp); PubMed 9536098 (cited by Labcorp Genetics (formerly Invitae), Labcorp).

NM_006459.4(ERLIN1):c.430+4A>T

Gene: ERLIN1 (ER lipid raft associated 1; minus strand). Cytogenetic location: 10q24.31.
Variant type: single nucleotide variant.
Coding change: c.430+4A>T on transcript NM_006459.4 (MANE Select); 4 bases into the intron after coding-DNA position 430, A replaced by T.
Molecular consequence: intron variant.
Genome position (GRCh38, 1-based): chr10:100,175,941, T>A on the plus strand (A>T on the coding strand, the complement: ERLIN1 is on the minus strand). VCF-style: chr10-100175941-T-A. GRCh37 (hg19) VCF-style: chr10-101935698-T-A.
Other names: c.430+4A>T (NM_001347857.2, NM_001100626.2, NM_001347860.2 and 2 more transcripts); c.178+4A>T (NM_001347856.2); c.-51+4A>T (NM_001347858.2).
Identifiers: ClinVar variation 663064 (VCV000663064.4), dbSNP rs377363754, ClinGen allele CA5646085.